The following is an entry in ClinVar:

ClinVar aggregate classification (germline): Likely benign. Review status: criteria provided, single submitter (1 of 4 stars). 2 submissions from 2 submitters: Likely benign (1). 1 of the submissions does not count toward it. Last evaluated 2023-05-19.

Conditions:
Joubert syndrome. Also called: CEREBELLOPARENCHYMAL DISORDER IV; JOUBERT-BOLTSHAUSER SYNDROME; Familial aplasia of the vermis. Identifiers: Orphanet 475, MedGen C5979921, MONDO:0018772.
Nephronophthisis. Also called: Juvenile Nephronophthisis. Identifiers: Orphanet 655, MedGen C0687120, MONDO:0019005, HP:0000090.
Meckel-Gruber syndrome. Also called: DYSENCEPHALIA SPLANCHNOCYSTICA; GRUBER SYNDROME; Dysencephalia splachnocystica. Identifiers: Orphanet 564, MedGen C0265215, MONDO:0018921.
CEP290-related disorder. Also called: CEP290-related condition; CEP290-related disorders. Identifiers: MedGen CN239314.

Submissions (2):

Labcorp Genetics (formerly Invitae), Labcorp
Classification: Likely benign for Joubert syndrome; Meckel-Gruber syndrome; Nephronophthisis. Last evaluated: 2023-05-19. Review status: criteria provided, single submitter. Criteria: Invitae Variant Classification Sherloc (09022015). Collection method: clinical testing. Allele origin: germline.

PreventionGenetics, part of Exact Sciences
Classification: Likely benign for CEP290-related condition. Last evaluated: 2023-04-18. Review status: no assertion criteria provided. Collection method: clinical testing. Allele origin: germline. Not counted in ClinVar's aggregate classification.
Comment: This variant is classified as likely benign based on ACMG/AMP sequence variant interpretation guidelines (Richards et al. 2015 PMID: 25741868, with internal and published modifications).

NM_025114.4(CEP290):c.4194+8T>G

Gene: CEP290 (centrosomal protein 290; minus strand). Cytogenetic location: 12q21.32.
Variant type: single nucleotide variant.
Coding change: c.4194+8T>G on transcript NM_025114.4 (MANE Select); 8 bases into the intron after coding-DNA position 4194, T replaced by G.
Molecular consequence: intron variant.
Genome position (GRCh38, 1-based): chr12:88,087,772, A>C on the plus strand (T>G on the coding strand, the complement: CEP290 is on the minus strand). VCF-style: chr12-88087772-A-C. GRCh37 (hg19) VCF-style: chr12-88481549-A-C.
Other names: c.4194+8T>G (NM_025114.3).
Identifiers: ClinVar variation 2931464 (VCV002931464.5), dbSNP rs1203422704, ClinGen allele CA606455450.
Genomic context (GRCh38, chr12:88,087,772, plus strand): 5'-TCCATCTCAAAAAAAAAAAAAAAAAAAAAAAACTTAGGGAAAAAAATGAAATAAATATAA[A>C]ATAAAACCTTGTTCTGTTGCACAATTTCTTCTTCAAGACTGCTGATTGTACGTTCATATT-3'